The following is an entry in ClinVar:

NM_001042492.3(NF1):c.7117C>T (p.Gln2373Ter)

Gene: NF1 (neurofibromin 1; plus strand). Cytogenetic location: 17q11.2.
Variant type: single nucleotide variant.
Coding change: c.7117C>T on transcript NM_001042492.3 (MANE Select); coding-DNA position 7117, C replaced by T.
Protein change: p.Gln2373Ter; replaces glutamine 2373 with a stop codon.
Molecular consequence: nonsense.
Genome position (GRCh38, 1-based): chr17:31,343,063, C>T. VCF-style: chr17-31343063-C-T. GRCh37 (hg19) VCF-style: chr17-29670081-C-T.
Other names: c.7054C>T, p.Gln2352Ter (NM_000267.4); short protein forms Q2352*, Q2373*.
Identifiers: ClinVar variation 440001 (VCV000440001.17), dbSNP rs1555535417, ClinGen allele CA399015622.

ClinVar aggregate classification (germline): Pathogenic. Review status: criteria provided, multiple submitters, no conflicts (2 of 4 stars). 4 submissions from 4 submitters: Pathogenic (4). Last evaluated 2026-04-22.

Conditions:
Neurofibromatosis, type 1 (NF1). Also called: Peripheral type neurofibromatosis; VON RECKLINGHAUSEN DISEASE; NEUROFIBROMATOSIS, TYPE I, SOMATIC; Neurofibromatosis, type I. Identifiers: Orphanet 636, MedGen C0027831, MONDO:0018975, OMIM 162200. Disease mechanism: loss of function.

Submissions (4):

Institute of Medical Genetics and Applied Genomics, University Hospital Tübingen
Classification: Pathogenic for Neurofibromatosis, type 1. Last evaluated: 2026-04-22. Review status: criteria provided, single submitter. Criteria: ACMG Guidelines, 2015. Collection method: clinical testing. Allele origin: germline. Inheritance: Autosomal dominant inheritance. Affected: yes.

Genome-Nilou Lab
Classification: Pathogenic for Neurofibromatosis, type 1. Last evaluated: 2022-03-15. Review status: criteria provided, single submitter. Criteria: ACMG Guidelines, 2015. Collection method: clinical testing. Allele origin: germline. Affected: no.

Labcorp Genetics (formerly Invitae), Labcorp
Classification: Pathogenic for Neurofibromatosis, type 1. Last evaluated: 2020-06-16. Review status: criteria provided, single submitter. Criteria: Invitae Variant Classification Sherloc (09022015). Collection method: clinical testing. Allele origin: germline.
Comment: This variant is not present in population databases (ExAC no frequency). This variant has not been reported in the literature in individuals with NF1-related disease. ClinVar contains an entry for this variant (Variation ID: 440001). Loss-of-function variants in NF1 are known to be pathogenic (PMID: 10712197, 23913538). For these reasons, this variant has been classified as Pathogenic. This sequence change creates a premature translational stop signal (p.Gln2352*) in the NF1 gene. It is expected to result in an absent or disrupted protein product.

ARUP Laboratories, Molecular Genetics and Genomics, ARUP Laboratories
Classification: Pathogenic. Last evaluated: 2017-03-24. Review status: criteria provided, single submitter. Criteria: ARUP Molecular Germline Variant Investigation Process. Collection method: clinical testing. Allele origin: germline.

Literature cited by the submitters: PubMed 10712197 (cited by Labcorp Genetics (formerly Invitae), Labcorp); PubMed 23913538 (cited by Labcorp Genetics (formerly Invitae), Labcorp).